The following is an entry in ClinVar:

ClinVar aggregate classification (germline): Uncertain significance. Review status: criteria provided, multiple submitters, no conflicts (2 of 4 stars). 3 submissions from 3 submitters: Uncertain significance (3). Last evaluated 2025-01-06.

Conditions:
Inborn genetic diseases. Identifiers: MedGen C0950123, MeSH D030342.

Allele frequency attached by ClinVar (database versions not stated): ExAC 0.00001; gnomAD 0.00001 and 0.00003; gnomAD exomes 0.00001; TOPMed 0.00003; ESP Exome Variant Server 0.00008.
gnomAD v4.1: 4 of 1,613,914 alleles (0.00025%); highest among the groups gnomAD compares: African/African-American, 0.0027%; no homozygotes.

Submissions (3):

Labcorp Genetics (formerly Invitae), Labcorp
Classification: Uncertain significance. Last evaluated: 2025-01-06. Review status: criteria provided, single submitter. Criteria: Invitae Variant Classification Sherloc (09022015). Collection method: clinical testing. Allele origin: germline.
Comment: This sequence change replaces methionine, which is neutral and non-polar, with threonine, which is neutral and polar, at codon 99 of the TTLL5 protein (p.Met99Thr). This variant is present in population databases (rs142141819, gnomAD 0.01%). This missense change has been observed in individual(s) with nyctalopia, bone spicules, and abnormal fundus (internal data). ClinVar contains an entry for this variant (Variation ID: 961615). Invitae Evidence Modeling of protein sequence and biophysical properties (such as structural, functional, and spatial information, amino acid conservation, physicochemical variation, residue mobility, and thermodynamic stability) indicates that this missense variant is not expected to disrupt TTLL5 protein function with a negative predictive value of 80%. In summary, the available evidence is currently insufficient to determine the role of this variant in disease. Therefore, it has been classified as a Variant of Uncertain Significance.

Blueprint Genetics
Classification: Uncertain significance. Last evaluated: 2024-08-27. Review status: criteria provided, single submitter. Criteria: ACMG Guidelines, 2015. Collection method: clinical testing. Allele origin: germline.

Ambry Genetics
Classification: Uncertain significance for Inborn genetic diseases. Last evaluated: 2024-05-30. Review status: criteria provided, single submitter. Criteria: Ambry Variant Classification Scheme 2023. Collection method: clinical testing. Allele origin: germline.

NM_015072.5(TTLL5):c.296T>C (p.Met99Thr)

Gene: TTLL5 (tubulin tyrosine ligase like 5; plus strand). Cytogenetic location: 14q24.3.
Variant type: single nucleotide variant.
Coding change: c.296T>C on transcript NM_015072.5 (MANE Select); coding-DNA position 296, T replaced by C.
Protein change: p.Met99Thr; replaces methionine 99 with threonine.
Molecular consequence: missense variant.
Genome position (GRCh38, 1-based): chr14:75,683,581, T>C. VCF-style: chr14-75683581-T-C. GRCh37 (hg19) VCF-style: chr14-76149924-T-C.
Other names: short protein forms M99T.
Identifiers: ClinVar variation 961615 (VCV000961615.10), dbSNP rs142141819, ClinGen allele CA7278879.